The following is an entry in ClinVar:

NM_001164688.2(RD3):c.473G>T (p.Arg158Leu)

Gene: RD3 (RD3 regulator of GUCY2D; minus strand). Cytogenetic location: 1q32.3.
Variant type: single nucleotide variant.
Coding change: c.473G>T on transcript NM_001164688.2 (MANE Select); coding-DNA position 473, G replaced by T.
Protein change: p.Arg158Leu; replaces arginine 158 with leucine.
Molecular consequence: missense variant.
Genome position (GRCh38, 1-based): chr1:211,479,151, C>A on the plus strand (G>T on the coding strand, the complement: RD3 is on the minus strand). VCF-style: chr1-211479151-C-A. GRCh37 (hg19) VCF-style: chr1-211652493-C-A.
Other names: c.473G>T, p.Arg158Leu (NM_183059.3); short protein forms R158L.
Identifiers: ClinVar variation 858743 (VCV000858743.11), dbSNP rs748059354, ClinGen allele CA344878757.

ClinVar aggregate classification (germline): Uncertain significance (1 of 4 stars; one submission).

Conditions:
Leber congenital amaurosis 12 (LCA12). Identifiers: Orphanet 65, MedGen C1857743, MONDO:0012525, OMIM 610612.

Submission:

Labcorp Genetics (formerly Invitae), Labcorp
Classification: Uncertain significance for Leber congenital amaurosis 12. Last evaluated: 2022-02-25. Review status: criteria provided, single submitter. Criteria: Invitae Variant Classification Sherloc (09022015). Collection method: clinical testing. Allele origin: germline.
Comment: This sequence change replaces arginine, which is basic and polar, with leucine, which is neutral and non-polar, at codon 158 of the RD3 protein (p.Arg158Leu). In summary, the available evidence is currently insufficient to determine the role of this variant in disease. Therefore, it has been classified as a Variant of Uncertain Significance. Algorithms developed to predict the effect of missense changes on protein structure and function (SIFT, PolyPhen-2, Align-GVGD) all suggest that this variant is likely to be disruptive. ClinVar contains an entry for this variant (Variation ID: 858743). This variant has not been reported in the literature in individuals affected with RD3-related conditions. This variant is not present in population databases (gnomAD no frequency).